The following is an entry in ClinVar:

ClinVar aggregate classification (germline): Uncertain significance (1 of 4 stars; one submission).

gnomAD v4.1: 4 of 1,612,446 alleles (0.00025%); highest among the groups gnomAD compares: Non-Finnish European, 0.00034%; no homozygotes.

Submission:

Labcorp Genetics (formerly Invitae), Labcorp
Classification: Uncertain significance. Last evaluated: 2021-10-09. Review status: criteria provided, single submitter. Criteria: Invitae Variant Classification Sherloc (09022015). Collection method: clinical testing. Allele origin: germline.
Comment: In summary, the available evidence is currently insufficient to determine the role of this variant in disease. Therefore, it has been classified as a Variant of Uncertain Significance. Algorithms developed to predict the effect of missense changes on protein structure and function are either unavailable or do not agree on the potential impact of this missense change (SIFT: "Deleterious"; PolyPhen-2: "Probably Damaging"; Align-GVGD: "Class C0"). This sequence change replaces glutamic acid with lysine at codon 224 of the MUT protein (p.Glu224Lys). The glutamic acid residue is highly conserved and there is a small physicochemical difference between glutamic acid and lysine. This variant is not present in population databases (ExAC no frequency). This variant has not been reported in the literature in individuals affected with MUT-related conditions.

NM_000255.4(MMUT):c.670G>A (p.Glu224Lys)

Gene: MMUT (methylmalonyl-CoA mutase; minus strand). Cytogenetic location: 6p12.3.
Variant type: single nucleotide variant.
Coding change: c.670G>A on transcript NM_000255.4 (MANE Select); coding-DNA position 670, G replaced by A.
Protein change: p.Glu224Lys; replaces glutamic acid 224 with lysine.
Molecular consequence: missense variant.
Genome position (GRCh38, 1-based): chr6:49,457,774, C>T on the plus strand (G>A on the coding strand, the complement: MMUT is on the minus strand). VCF-style: chr6-49457774-C-T. GRCh37 (hg19) VCF-style: chr6-49425487-C-T.
Other names: short protein forms E224K.
Identifiers: ClinVar variation 1419271 (VCV001419271.6), dbSNP rs1554160638, ClinGen allele CA364404209.